The following is an entry in ClinVar:

ClinVar aggregate classification (germline): Uncertain significance. Review status: criteria provided, multiple submitters, no conflicts (2 of 4 stars). 3 submissions from 3 submitters: Uncertain significance (3). Last evaluated 2024-01-23.

Conditions:
COG7 congenital disorder of glycosylation (CDG2E). Also called: CONGENITAL DISORDER OF GLYCOSYLATION, TYPE IIe; CDG IIe. Identifiers: Orphanet 79333, MedGen C2931010, MONDO:0012118, OMIM 608779.

Allele frequency attached by ClinVar (database versions not stated): gnomAD exomes 0.00002 and 0.00004; gnomAD 0.00003 and 0.00004; ExAC 0.00005; TOPMed 0.00005; ESP Exome Variant Server 0.00015.
gnomAD v4.1: 38 of 1,614,040 alleles (0.0024%); highest among the groups gnomAD compares: African/African-American, 0.0053%; no homozygotes.

Submissions (3):

GeneDx
Classification: Uncertain significance. Last evaluated: 2024-01-23. Review status: criteria provided, single submitter. Criteria: GeneDx Variant Classification Process June 2021. Collection method: clinical testing. Allele origin: germline. Affected: yes.
Comment: In silico analysis supports a deleterious effect on splicing; In silico analysis supports that this missense variant has a deleterious effect on protein structure/function; Has not been previously published as pathogenic or benign to our knowledge

Labcorp Genetics (formerly Invitae), Labcorp
Classification: Uncertain significance for COG7 congenital disorder of glycosylation. Last evaluated: 2022-05-04. Review status: criteria provided, single submitter. Criteria: Invitae Variant Classification Sherloc (09022015). Collection method: clinical testing. Allele origin: germline.
Comment: This sequence change replaces aspartic acid, which is acidic and polar, with glycine, which is neutral and non-polar, at codon 129 of the COG7 protein (p.Asp129Gly). This variant is present in population databases (rs150979217, gnomAD 0.01%). This variant has not been reported in the literature in individuals affected with COG7-related conditions. ClinVar contains an entry for this variant (Variation ID: 888107). Algorithms developed to predict the effect of missense changes on protein structure and function are either unavailable or do not agree on the potential impact of this missense change (SIFT: "Deleterious"; PolyPhen-2: "Possibly Damaging"; Align-GVGD: "Class C0"). Algorithms developed to predict the effect of sequence changes on RNA splicing suggest that this variant may disrupt the consensus splice site. In summary, the available evidence is currently insufficient to determine the role of this variant in disease. Therefore, it has been classified as a Variant of Uncertain Significance.

Illumina Laboratory Services, Illumina
Classification: Uncertain significance for COG7 congenital disorder of glycosylation. Last evaluated: 2018-01-13. Review status: criteria provided, single submitter. Criteria: ICSL Variant Classification Criteria 13 December 2019. Collection method: clinical testing. Allele origin: germline.

NM_153603.4(COG7):c.386A>G (p.Asp129Gly)

Gene: COG7 (component of oligomeric golgi complex 7; minus strand). Cytogenetic location: 16p12.2.
Variant type: single nucleotide variant.
Coding change: c.386A>G on transcript NM_153603.4 (MANE Select); coding-DNA position 386, A replaced by G.
Protein change: p.Asp129Gly; replaces aspartic acid 129 with glycine.
Molecular consequence: missense variant.
Genome position (GRCh38, 1-based): chr16:23,445,097, T>C on the plus strand (A>G on the coding strand, the complement: COG7 is on the minus strand). VCF-style: chr16-23445097-T-C. GRCh37 (hg19) VCF-style: chr16-23456418-T-C.
Other names: short protein forms D129G.
Identifiers: ClinVar variation 888107 (VCV000888107.6), dbSNP rs150979217, ClinGen allele CA7961321.